The following is an entry in ClinVar:

ClinVar aggregate classification (germline): Likely benign (1 of 4 stars; one submission).

Allele frequency attached by ClinVar (database versions not stated): gnomAD exomes 0.00303; ExAC 0.00379; 1000 Genomes Project 0.00419; 1000 Genomes Project 30x 0.00437; gnomAD 0.00441; TOPMed 0.00505; ESP Exome Variant Server 0.00546.

Submission:

CeGaT Center for Human Genetics Tuebingen
Classification: Likely benign. Last evaluated: 2023-03-01. Review status: criteria provided, single submitter. Criteria: CeGaT Center For Human Genetics Tuebingen Variant Classification Criteria Version 2. Collection method: clinical testing. Allele origin: germline. Affected: yes. Observed: 1 variant allele.
Comment: ORM2: BP4, BP7, BS2

NM_000608.4(ORM2):c.405C>T (p.Asp135=)

Genes: AKNA (AT-hook transcription factor; minus strand), ORM2 (orosomucoid 2; plus strand). Cytogenetic location: 9q32.
Variant type: single nucleotide variant.
Coding change: c.405C>T on transcript NM_000608.4 (MANE Select); coding-DNA position 405, C replaced by T.
Protein change: p.Asp135=; no amino-acid change (aspartic acid 135 retained).
Molecular consequence: synonymous variant.
Genome position (GRCh38, 1-based): chr9:114,331,643, C>T. VCF-style: chr9-114331643-C-T. GRCh37 (hg19) VCF-style: chr9-117093923-C-T.
Identifiers: ClinVar variation 2659443 (VCV002659443.24), dbSNP rs78377107, ClinGen allele CA5204075.